The following is an entry in ClinVar:

NM_001042492.3(NF1):c.5664C>T (p.Ile1888=)

Gene: NF1 (neurofibromin 1; plus strand). Cytogenetic location: 17q11.2.
Variant type: single nucleotide variant.
Coding change: c.5664C>T on transcript NM_001042492.3 (MANE Select); coding-DNA position 5664, C replaced by T.
Protein change: p.Ile1888=; no amino-acid change (isoleucine 1888 retained).
Molecular consequence: synonymous variant.
Genome position (GRCh38, 1-based): chr17:31,330,350, C>T. VCF-style: chr17-31330350-C-T. GRCh37 (hg19) VCF-style: chr17-29657368-C-T.
Other names: c.5601C>T, p.Ile1867= (NM_000267.4).
Identifiers: ClinVar variation 229660 (VCV000229660.26), dbSNP rs373685150, ClinGen allele CA8487213.

ClinVar aggregate classification (germline): Benign/Likely benign. Review status: criteria provided, multiple submitters, no conflicts (2 of 4 stars). 13 submissions from 13 submitters: Benign (1); Likely benign (12). Last evaluated 2026-08-10.

Conditions:
NF1-related disorder. Also called: NF1-related condition. Identifiers: MedGen CN379171.
Hereditary cancer-predisposing syndrome. Also called: Neoplastic Syndromes, Hereditary; Hereditary Cancer Syndrome; Tumor predisposition; Hereditary neoplastic syndrome. Identifiers: Orphanet 140162, MedGen C0027672, MeSH D009386, MONDO:0015356.
Juvenile myelomonocytic leukemia (JMML). Also called: LEUKEMIA, JUVENILE MYELOMONOCYTIC, SOMATIC. Identifiers: Orphanet 86834, MedGen C0349639, MONDO:0011908, OMIM 607785, HP:0012209.
Neurofibromatosis, familial spinal (FSNF). Identifiers: Orphanet 636, MedGen C1834235, MONDO:0008078, OMIM 162210. Disease mechanism: loss of function.
Neurofibromatosis-Noonan syndrome (NFNS). Also called: NEUROFIBROMATOSIS WITH NOONAN PHENOTYPE. Identifiers: Orphanet 638, MedGen C2931482, MONDO:0011035, OMIM 601321. Disease mechanism: loss of function.
Café-au-lait macules with pulmonary stenosis (WTSN). Also called: PULMONIC STENOSIS WITH CAFE-AU-LAIT SPOTS. Identifiers: MedGen C0553586, MONDO:0008672, OMIM 193520.
Neurofibromatosis, type 1 (NF1). Also called: VON RECKLINGHAUSEN DISEASE; Peripheral type neurofibromatosis; NEUROFIBROMATOSIS, TYPE I, SOMATIC; Neurofibromatosis, type I. Identifiers: Orphanet 636, MedGen C0027831, MONDO:0018975, OMIM 162200. Disease mechanism: loss of function.

Allele frequency attached by ClinVar (database versions not stated): gnomAD exomes 0.00001 and 0.00002; ExAC 0.00002; gnomAD 0.00004; TOPMed 0.00006; ESP Exome Variant Server 0.00008.
gnomAD v4.1: 20 of 1,613,836 alleles (0.0012%); highest among the groups gnomAD compares: African/African-American, 0.011%; no homozygotes.

Submissions (13):

PreventionGenetics, part of Exact Sciences
Classification: Likely benign for NF1-related condition. Last evaluated: 2026-08-10. Review status: criteria provided, single submitter. Criteria: ACMG Guidelines, 2015. Collection method: clinical testing. Allele origin: germline.
Comment: This variant is classified as likely benign based on ACMG/AMP sequence variant interpretation guidelines (Richards et al. 2015 PMID: 25741868, with internal and published modifications).

Myriad Genetics, Inc.
Classification: Benign for Neurofibromatosis, type 1. Last evaluated: 2026-05-20. Review status: criteria provided, single submitter. Criteria: Myriad Autosomal Dominant, Autosomal Recessive and X-Linked Classification Criteria (2023). Collection method: clinical testing. Allele origin: unknown.
Comment: This variant is considered benign. This variant is a silent/synonymous amino acid change and it is not expected to impact splicing.

CeGaT Center for Human Genetics Tuebingen
Classification: Likely benign. Last evaluated: 2026-02-01. Review status: criteria provided, single submitter. Criteria: CeGaT Center For Human Genetics Tuebingen Variant Classification Criteria Version 2. Collection method: clinical testing. Allele origin: germline. Affected: yes. Observed: 1 variant allele.
Comment: NF1: BP4, BP7

Labcorp Genetics (formerly Invitae), Labcorp
Classification: Likely benign for Neurofibromatosis, type 1. Last evaluated: 2025-12-20. Review status: criteria provided, single submitter. Criteria: Invitae Variant Classification Sherloc (09022015). Collection method: clinical testing. Allele origin: germline.

Institute for Biomarker Research, Medical Diagnostic Laboratories, L.L.C.
Classification: Likely benign for Hereditary cancer-predisposing syndrome. Last evaluated: 2025-08-27. Review status: criteria provided, single submitter. Criteria: ACMG Guidelines, 2015. Collection method: clinical testing. Allele origin: germline.
Comment: The synonymous variant NM_000267.3(NF1):c.5601C>T (p.Ile1867=) has been reported to ClinVar as Likely benign with a status of (2 stars) criteria provided, multiple submitters, no conflicts (Variation ID 229660 as of 2025-08-07). The p.Ile1867= variant is not predicted to disrupt an existing splice site. The p.Ile1867= variant results in a substitution of a base that is not predicted conserved by GERP++ and PhyloP. For these reasons, this variant has been classified as Likely Benign.

Dasa
Classification: Likely benign. Last evaluated: 2025-04-15. Review status: criteria provided, single submitter. Criteria: DASA Assertion Criteria. Collection method: clinical testing. Allele origin: germline.
Comment: NM_001042492.3(NF1):c.5664C>T (p.Ile1888=) is a sequence variant. The variant is present at low frequency in population datasets. Based on the available data, this variant is classified as likely benign.

Women's Health and Genetics/Laboratory Corporation of America, LabCorp
Classification: Likely benign. Last evaluated: 2025-01-13. Review status: criteria provided, single submitter. Criteria: LabCorp Variant Classification Summary - May 2015. Collection method: clinical testing. Allele origin: germline.

Blueprint Genetics
Classification: Likely benign. Last evaluated: 2024-10-03. Review status: criteria provided, single submitter. Criteria: ACMG Guidelines, 2015. Collection method: clinical testing. Allele origin: germline.

Genome-Nilou Lab
Classification: Likely benign for Neurofibromatosis, type 1. Last evaluated: 2022-03-15. Review status: criteria provided, single submitter. Criteria: ACMG Guidelines, 2015. Collection method: clinical testing. Allele origin: germline. Affected: no.

Fulgent Genetics
Classification: Likely benign for Neurofibromatosis, type 1; Neurofibromatosis, familial spinal; Café-au-lait macules with pulmonary stenosis; Neurofibromatosis-Noonan syndrome; Juvenile myelomonocytic leukemia. Last evaluated: 2022-02-23. Review status: criteria provided, single submitter. Criteria: ACMG Guidelines, 2015. Collection method: clinical testing. Allele origin: unknown.

Sema4
Classification: Likely benign for Hereditary cancer-predisposing syndrome. Last evaluated: 2022-02-10. Review status: criteria provided, single submitter. Criteria: Sema4 Curation Guidelines. Collection method: curation. Allele origin: germline.

GeneDx
Classification: Likely benign. Last evaluated: 2018-03-02. Review status: criteria provided, single submitter. Criteria: GeneDx Variant Classification (06012015). Collection method: clinical testing. Allele origin: germline. Affected: yes.
Comment: This variant is considered likely benign or benign based on one or more of the following criteria: it is a conservative change, it occurs at a poorly conserved position in the protein, it is predicted to be benign by multiple in silico algorithms, and/or has population frequency not consistent with disease.

Ambry Genetics
Classification: Likely benign for Hereditary cancer-predisposing syndrome. Last evaluated: 2015-05-01. Review status: criteria provided, single submitter. Criteria: Ambry Autosomal Dominant and X-Linked criteria (10/2015). Collection method: clinical testing. Allele origin: germline. Observed: 1 variant allele.
Comment: In silico models in agreement (benign);Synonymous alterations with insufficient evidence to classify as benign

Literature cited by the submitters: PubMed 10678181 (cited by Women's Health and Genetics/Laboratory Corporation of America, LabCorp); PubMed 23460398 (cited by Women's Health and Genetics/Laboratory Corporation of America, LabCorp); PubMed 29872168 (cited by Women's Health and Genetics/Laboratory Corporation of America, LabCorp); PubMed 27069254 (cited by Women's Health and Genetics/Laboratory Corporation of America, LabCorp).